The following is an entry in ClinVar:

ClinVar aggregate classification (germline): Benign/Likely benign. Review status: criteria provided, multiple submitters, no conflicts (2 of 4 stars). 6 submissions from 6 submitters: Benign (4); Likely benign (2). Last evaluated 2025-07-27.

Conditions:
CACNA1A-related disorder. Also called: CACNA1A-related condition.
Episodic ataxia type 2 (EA2). Also called: ATAXIA, EPISODIC, WITH NYSTAGMUS; ATAXIA, FAMILIAL PAROXYSMAL; ACETAZOLAMIDE-RESPONSIVE HEREDITARY PAROXYSMAL CEREBELLAR ATAXIA; CEREBELLAR ATAXIA, PAROXYSMAL, ACETAZOLAMIDE-RESPONSIVE; CEREBELLOPATHY, HEREDITARY PAROXYSMAL; EPISODIC ATAXIA, NYSTAGMUS-ASSOCIATED. Identifiers: Orphanet 97, MedGen C1720416, MONDO:0007163, OMIM 108500.
Developmental and epileptic encephalopathy, 42 (DEE42A). Also called: DEVELOPMENTAL AND EPILEPTIC ENCEPHALOPATHY 42A; EPILEPTIC ENCEPHALOPATHY, EARLY INFANTILE, 42A; Epileptic encephalopathy, early infantile, 42. Identifiers: MedGen C4310716, MONDO:0014917, OMIM 617106.
Inborn genetic diseases. Identifiers: MedGen C0950123, MeSH D030342.

Allele frequency attached by ClinVar (database versions not stated): TOPMed 0.00005; gnomAD 0.00006 and 0.00009; gnomAD exomes 0.00006 and 0.00028; 1000 Genomes Project 0.00040; ExAC 0.00053; 1000 Genomes Project 30x 0.00062.
gnomAD v4.1: 99 of 1,511,180 alleles (0.0066%); highest among the groups gnomAD compares: East Asian, 0.22%; 1 homozygote.

Submissions (6):

Labcorp Genetics (formerly Invitae), Labcorp
Classification: Benign for Developmental and epileptic encephalopathy, 42; Episodic ataxia type 2. Last evaluated: 2025-07-27. Review status: criteria provided, single submitter. Criteria: Invitae Variant Classification Sherloc (09022015). Collection method: clinical testing. Allele origin: germline.

PreventionGenetics, part of Exact Sciences
Classification: Likely benign for CACNA1A-related condition. Last evaluated: 2025-06-20. Review status: criteria provided, single submitter. Criteria: ACMG Guidelines, 2015. Collection method: clinical testing. Allele origin: germline.
Comment: This variant is classified as likely benign based on ACMG/AMP sequence variant interpretation guidelines (Richards et al. 2015 PMID: 25741868, with internal and published modifications).

CeGaT Center for Human Genetics Tuebingen
Classification: Benign. Last evaluated: 2022-10-01. Review status: criteria provided, single submitter. Criteria: CeGaT Center For Human Genetics Tuebingen Variant Classification Criteria Version 2. Collection method: clinical testing. Allele origin: germline. Affected: yes. Observed: 1 variant allele.
Comment: CACNA1A: BS1, BS2

Blueprint Genetics
Classification: Likely benign. Last evaluated: 2022-08-26. Review status: criteria provided, single submitter. Criteria: ACMG Guidelines, 2015. Collection method: clinical testing. Allele origin: germline.

GeneDx
Classification: Benign. Last evaluated: 2020-08-15. Review status: criteria provided, single submitter. Criteria: GeneDx Variant Classification Process June 2021. Collection method: clinical testing. Allele origin: germline. Affected: yes.

Ambry Genetics
Classification: Benign for Inborn genetic diseases. Last evaluated: 2017-02-01. Review status: criteria provided, single submitter. Criteria: Ambry Variant Classification Scheme 2023. Collection method: clinical testing. Allele origin: germline.

NM_001127222.2(CACNA1A):c.5994A>G (p.Glu1998=)

Gene: CACNA1A (calcium voltage-gated channel subunit alpha1 A; minus strand). Cytogenetic location: 19p13.13.
Variant type: single nucleotide variant.
Coding change: c.5994A>G on transcript NM_001127222.2 (MANE Select); coding-DNA position 5994, A replaced by G.
Protein change: p.Glu1998=; no amino-acid change (glutamic acid 1998 retained).
Molecular consequence: synonymous variant.
Genome position (GRCh38, 1-based): chr19:13,212,687, T>C on the plus strand (A>G on the coding strand, the complement: CACNA1A is on the minus strand). VCF-style: chr19-13212687-T-C. GRCh37 (hg19) VCF-style: chr19-13323501-T-C.
Other names: c.6012A>G, p.Glu2004= (NM_000068.4, NM_023035.3); c.5997A>G, p.Glu1999= (NM_001127221.2); c.6003A>G, p.Glu2001= (NM_001174080.2); c.5994A>G (NM_001127222.1).
Identifiers: ClinVar variation 590030 (VCV000590030.40), dbSNP rs16045, ClinGen allele CA9239510.